The following is an entry in ClinVar:

ClinVar aggregate classification (germline): Benign. Review status: criteria provided, multiple submitters, no conflicts (2 of 4 stars). 2 submissions from 2 submitters: Benign (2). Last evaluated 2018-06-14.

Allele frequency attached by ClinVar (database versions not stated): TOPMed 0.75393; 1000 Genomes Project 30x 0.75406; 1000 Genomes Project 0.76078; gnomAD 0.77104 and 0.77417; gnomAD exomes 0.83658.
gnomAD v4.1: 1,138,252 of 1,372,834 alleles (83%); highest among the groups gnomAD compares: East Asian, 85%; 473,898 homozygotes.

Submissions (2):

GeneDx
Classification: Benign. Last evaluated: 2018-06-14. Review status: criteria provided, single submitter. Criteria: GeneDx Variant Classification (06012015). Collection method: clinical testing. Allele origin: germline. Affected: yes.
Comment: This variant is considered likely benign or benign based on one or more of the following criteria: it is a conservative change, it occurs at a poorly conserved position in the protein, it is predicted to be benign by multiple in silico algorithms, and/or has population frequency not consistent with disease.

Breakthrough Genomics
Classification: Benign. Review status: criteria provided, single submitter. Criteria: ACMG Guidelines, 2015. Collection method: not provided. Allele origin: germline. Inheritance: Autosomal recessive inheritance. Affected: yes.

NM_024537.4(CARS2):c.920-196G>A

Gene: CARS2 (cysteinyl-tRNA synthetase 2, mitochondrial; minus strand). Cytogenetic location: 13q34.
Variant type: single nucleotide variant.
Coding change: c.920-196G>A on transcript NM_024537.4 (MANE Select); 196 bases into the intron before coding-DNA position 920, G replaced by A.
Molecular consequence: intron variant. On other transcripts: 3 prime UTR variant (1).
Genome position (GRCh38, 1-based): chr13:110,663,714, C>T on the plus strand (G>A on the coding strand, the complement: CARS2 is on the minus strand). VCF-style: chr13-110663714-C-T. GRCh37 (hg19) VCF-style: chr13-111316061-C-T.
Other names: c.*196G>A (NM_001352253.3); c.134-196G>A (NM_001352252.2).
Identifiers: ClinVar variation 683455 (VCV000683455.2), dbSNP rs2296655, ClinGen allele CA16482186.